The following is an entry in ClinVar:

NM_018979.4(WNK1):c.2163G>T (p.Gln721His)

Gene: WNK1 (WNK lysine deficient protein kinase 1; plus strand). Cytogenetic location: 12p13.33.
Variant type: single nucleotide variant.
Coding change: c.2163G>T on transcript NM_018979.4 (MANE Select); coding-DNA position 2163, G replaced by T.
Protein change: p.Gln721His; replaces glutamine 721 with histidine.
Molecular consequence: missense variant.
Genome position (GRCh38, 1-based): chr12:871,288, G>T. VCF-style: chr12-871288-G-T. GRCh37 (hg19) VCF-style: chr12-980454-G-T.
Other names: c.3402G>T, p.Gln1134His (NM_001184985.2); c.2163G>T, p.Gln721His (NM_014823.3); c.3657G>T, p.Gln1219His (NM_213655.5); short protein forms Q1134H, Q1219H, Q721H.
Identifiers: ClinVar variation 858674 (VCV000858674.9), dbSNP rs1952124178, ClinGen allele CA383342836.

ClinVar aggregate classification (germline): Uncertain significance (1 of 4 stars; one submission).

Conditions:
Pseudohypoaldosteronism type 2C (PHA2C). Also called: Pseudohypoaldosteronism Type IIC. Identifiers: Orphanet 757, Orphanet 88940, MedGen C1840391, MONDO:0013778, OMIM 614492.
Neuropathy, hereditary sensory and autonomic, type 2A (HSAN2A). Also called: ACROOSTEOLYSIS, GIACCAI TYPE; ACROOSTEOLYSIS, NEUROGENIC; MORVAN DISEASE; NEUROPATHY, CONGENITAL SENSORY; NEUROPATHY, HEREDITARY SENSORY RADICULAR, AUTOSOMAL RECESSIVE; NEUROPATHY, HEREDITARY SENSORY, TYPE IIA. Identifiers: Orphanet 970, MedGen C2752089, MONDO:0024309, OMIM 201300.

Submission:

Labcorp Genetics (formerly Invitae), Labcorp
Classification: Uncertain significance for Neuropathy, hereditary sensory and autonomic, type 2A; Pseudohypoaldosteronism type 2C. Last evaluated: 2019-02-04. Review status: criteria provided, single submitter. Criteria: Invitae Variant Classification Sherloc (09022015). Collection method: clinical testing. Allele origin: germline.
Comment: In summary, the available evidence is currently insufficient to determine the role of this variant in disease. Therefore, it has been classified as a Variant of Uncertain Significance. Algorithms developed to predict the effect of missense changes on protein structure and function output the following: SIFT: "Tolerated"; PolyPhen-2: "Benign"; Align-GVGD: "Class C0". The histidine amino acid residue is found in multiple mammalian species, suggesting that this missense change does not adversely affect protein function. These predictions have not been confirmed by published functional studies and their clinical significance is uncertain. This variant has not been reported in the literature in individuals with WNK1-related conditions. This variant is not present in population databases (ExAC no frequency). This sequence change replaces glutamine with histidine at codon 1219 of the WNK1 protein (p.Gln1219His). The glutamine residue is weakly conserved and there is a small physicochemical difference between glutamine and histidine.